The following is an entry in ClinVar:

NM_020975.6(RET):c.3115C>A (p.Pro1039Thr)

Gene: RET (ret proto-oncogene; plus strand). Cytogenetic location: 10q11.21.
Variant type: single nucleotide variant.
Coding change: c.3115C>A on transcript NM_020975.6 (MANE Select); coding-DNA position 3115, C replaced by A.
Protein change: p.Pro1039Thr; replaces proline 1039 with threonine.
Molecular consequence: missense variant.
Genome position (GRCh38, 1-based): chr10:43,126,650, C>A. VCF-style: chr10-43126650-C-A. GRCh37 (hg19) VCF-style: chr10-43622098-C-A.
Other names: c.3115C>A, p.Pro1039Thr (NM_000323.2, NM_001406743.1, NM_001406744.1 and 4 more transcripts); c.2353C>A, p.Pro785Thr (NM_001355216.2); c.2986C>A, p.Pro996Thr (NM_001406761.1, NM_001406762.1, NM_001406764.1); c.2980C>A, p.Pro994Thr (NM_001406763.1, NM_001406765.1); c.2827C>A, p.Pro943Thr (NM_001406766.1, NM_001406767.1, NM_001406770.1); c.2851C>A, p.Pro951Thr (NM_001406768.1); c.2719C>A, p.Pro907Thr (NM_001406769.1, NM_001406772.1); c.2677C>A, p.Pro893Thr (NM_001406771.1, NM_001406773.1); and 10 more; short protein forms P785T, P1039T, P556T, P644T, P697T, P604T, P740T, P864T.
Identifiers: ClinVar variation 1427632 (VCV001427632.11), dbSNP rs2133035293, ClinGen allele CA376558424.

ClinVar aggregate classification (germline): Uncertain significance. Review status: criteria provided, multiple submitters, no conflicts (2 of 4 stars). 2 submissions from 2 submitters: Uncertain significance (2). Last evaluated 2022-04-26.

Conditions:
Hereditary cancer-predisposing syndrome. Also called: Tumor predisposition; Hereditary neoplastic syndrome; Neoplastic Syndromes, Hereditary; Hereditary Cancer Syndrome. Identifiers: Orphanet 140162, MedGen C0027672, MeSH D009386, MONDO:0015356.
Multiple endocrine neoplasia, type 2 (MEN2). Identifiers: Orphanet 653, MedGen C4048306, MONDO:0019003. Disease mechanism: gain of function.

gnomAD v4.1: 1 of 1,614,142 alleles (0.000062%); highest among the groups gnomAD compares: Non-Finnish European, 0.000085%; no homozygotes.

Submissions (2):

Ambry Genetics
Classification: Uncertain significance for Hereditary cancer-predisposing syndrome. Last evaluated: 2022-04-26. Review status: criteria provided, single submitter. Criteria: Ambry Variant Classification Scheme 2023. Collection method: clinical testing. Allele origin: germline.
Comment: The p.P1039T variant (also known as c.3115C>A), located in coding exon 19 of the RET gene, results from a C to A substitution at nucleotide position 3115. The proline at codon 1039 is replaced by threonine, an amino acid with highly similar properties. This amino acid position is conserved. In addition, the in silico prediction for this alteration is inconclusive. Since supporting evidence is limited at this time, the clinical significance of this alteration remains unclear.

Labcorp Genetics (formerly Invitae), Labcorp
Classification: Uncertain significance for Multiple endocrine neoplasia, type 2. Last evaluated: 2021-03-01. Review status: criteria provided, single submitter. Criteria: Invitae Variant Classification Sherloc (09022015). Collection method: clinical testing. Allele origin: germline.
Comment: This sequence change replaces proline with threonine at codon 1039 of the RET protein (p.Pro1039Thr). The proline residue is highly conserved and there is a small physicochemical difference between proline and threonine. In summary, the available evidence is currently insufficient to determine the role of this variant in disease. Therefore, it has been classified as a Variant of Uncertain Significance. Algorithms developed to predict the effect of missense changes on protein structure and function are either unavailable or do not agree on the potential impact of this missense change (SIFT: "Deleterious"; PolyPhen-2: "Possibly Damaging"; Align-GVGD: "Class C0"). This variant has not been reported in the literature in individuals with RET-related conditions. This variant is not present in population databases (ExAC no frequency).